The following is an entry in ClinVar:

NM_015909.4(NBAS):c.5936G>A (p.Ser1979Asn)

Gene: NBAS (NBAS subunit of NRZ tethering complex; minus strand). Cytogenetic location: 2p24.3.
Variant type: single nucleotide variant.
Coding change: c.5936G>A on transcript NM_015909.4 (MANE Select); coding-DNA position 5936, G replaced by A.
Protein change: p.Ser1979Asn; replaces serine 1979 with asparagine.
Molecular consequence: missense variant. On other transcripts: non-coding transcript variant (1).
Genome position (GRCh38, 1-based): chr2:15,238,475, C>T on the plus strand (G>A on the coding strand, the complement: NBAS is on the minus strand). VCF-style: chr2-15238475-C-T. GRCh37 (hg19) VCF-style: chr2-15378599-C-T.
Other names: short protein forms S1979N.
Identifiers: ClinVar variation 1433444 (VCV001433444.3), dbSNP rs767504327, ClinGen allele CA345890609.

ClinVar aggregate classification (germline): Uncertain significance (1 of 4 stars; one submission).

gnomAD v4.1: 1 of 1,614,048 alleles (0.000062%); highest among the groups gnomAD compares: Admixed American, 0.0017%; no homozygotes.

Submission:

Labcorp Genetics (formerly Invitae), Labcorp
Classification: Uncertain significance. Last evaluated: 2022-06-27. Review status: criteria provided, single submitter. Criteria: Invitae Variant Classification Sherloc (09022015). Collection method: clinical testing. Allele origin: germline.
Comment: This sequence change replaces serine, which is neutral and polar, with asparagine, which is neutral and polar, at codon 1979 of the NBAS protein (p.Ser1979Asn). This variant is present in population databases (no rsID available, gnomAD 0.003%). This variant has not been reported in the literature in individuals affected with NBAS-related conditions. Algorithms developed to predict the effect of missense changes on protein structure and function (SIFT, PolyPhen-2, Align-GVGD) all suggest that this variant is likely to be disruptive. In summary, the available evidence is currently insufficient to determine the role of this variant in disease. Therefore, it has been classified as a Variant of Uncertain Significance.